The following is an entry in ClinVar:

NM_030665.4(RAI1):c.852G>C (p.Gln284His)

Gene: RAI1 (retinoic acid induced 1; plus strand). Cytogenetic location: 17p11.2.
Variant type: single nucleotide variant.
Coding change: c.852G>C on transcript NM_030665.4 (MANE Select); coding-DNA position 852, G replaced by C.
Protein change: p.Gln284His; replaces glutamine 284 with histidine.
Molecular consequence: missense variant.
Genome position (GRCh38, 1-based): chr17:17,793,800, G>C. VCF-style: chr17-17793800-G-C. GRCh37 (hg19) VCF-style: chr17-17697114-G-C.
Other names: short protein forms Q284H.
Identifiers: ClinVar variation 1368467 (VCV001368467.6), dbSNP rs1044807296, ClinGen allele CA398546343.

ClinVar aggregate classification (germline): Uncertain significance (1 of 4 stars; one submission).

Submission:

Labcorp Genetics (formerly Invitae), Labcorp
Classification: Uncertain significance. Last evaluated: 2022-10-03. Review status: criteria provided, single submitter. Criteria: Invitae Variant Classification Sherloc (09022015). Collection method: clinical testing. Allele origin: germline.
Comment: This variant has not been reported in the literature in individuals affected with RAI1-related conditions. In summary, the available evidence is currently insufficient to determine the role of this variant in disease. Therefore, it has been classified as a Variant of Uncertain Significance. Advanced modeling of protein sequence and biophysical properties (such as structural, functional, and spatial information, amino acid conservation, physicochemical variation, residue mobility, and thermodynamic stability) has been performed at Invitae for this missense variant, however the output from this modeling did not meet the statistical confidence thresholds required to predict the impact of this variant on RAI1 protein function. ClinVar contains an entry for this variant (Variation ID: 1368467). This variant is not present in population databases (gnomAD no frequency). This sequence change replaces glutamine, which is neutral and polar, with histidine, which is basic and polar, at codon 284 of the RAI1 protein (p.Gln284His).